The following is an entry in ClinVar:

NM_003482.4(KMT2D):c.1002del (p.Asn336fs)

Gene: KMT2D (lysine methyltransferase 2D; minus strand). Cytogenetic location: 12q13.12.
Variant type: Deletion.
Coding change: c.1002del on transcript NM_003482.4 (MANE Select); coding-DNA position 1002, one base deleted (T; older notation c.1002delT).
Protein change: p.Asn336fs; shifts the reading frame from asparagine 336.
Molecular consequence: frameshift variant.
Genome position (GRCh38, 1-based): chr12:49,053,025, A deleted on the plus strand (T on the coding strand, the reverse complement: KMT2D is on the minus strand). VCF-style (leftmost placement, unchanged base first): chr12-49053024-GA-G. GRCh37 (hg19) VCF-style: chr12-49446807-GA-G.
Other names: short protein forms N336fs.
Identifiers: ClinVar variation 3036710 (VCV003036710.2), dbSNP rs2498463081, ClinGen allele CA2740092373.

ClinVar aggregate classification (germline): Likely pathogenic (0 of 4 stars; one submission).

Conditions:
KMT2D-related disorder. Also called: KMT2D-Related Disorders.

Submission:

PreventionGenetics, part of Exact Sciences
Classification: Likely pathogenic for KMT2D-related condition. Last evaluated: 2023-11-02. Review status: no assertion criteria provided. Collection method: clinical testing. Allele origin: germline.
Comment: The KMT2D c.1002delT variant is predicted to result in a frameshift and premature protein termination (p.Asn336Thrfs*66). To our knowledge, this variant has not been reported in the literature or in a large population database, indicating this variant is rare. Frameshift variants in KMT2D are expected to be pathogenic. This variant is interpreted as likely pathogenic.